The following is an entry in ClinVar:

NM_001012339.3(DNAJC21):c.1150A>G (p.Lys384Glu)

Gene: DNAJC21 (DnaJ heat shock protein family (Hsp40) member C21; plus strand). Cytogenetic location: 5p13.2.
Variant type: single nucleotide variant.
Coding change: c.1150A>G on transcript NM_001012339.3 (MANE Select); coding-DNA position 1150, A replaced by G.
Protein change: p.Lys384Glu; replaces lysine 384 with glutamic acid.
Molecular consequence: missense variant.
Genome position (GRCh38, 1-based): chr5:34,945,768, A>G. VCF-style: chr5-34945768-A-G. GRCh37 (hg19) VCF-style: chr5-34945873-A-G.
Other names: c.1189A>G, p.Lys397Glu (NM_001348420.2); c.1150A>G, p.Lys384Glu (NM_194283.4); short protein forms K397E, K384E.
Identifiers: ClinVar variation 1507636 (VCV001507636.3), dbSNP rs764463212, ClinGen allele CA3228733.

ClinVar aggregate classification (germline): Uncertain significance (1 of 4 stars; one submission).

Allele frequency attached by ClinVar (database versions not stated): gnomAD exomes below 0.00001 and 0.00001; TOPMed below 0.00001; ExAC 0.00001; gnomAD 0.00001.
gnomAD v4.1: 7 of 1,597,174 alleles (0.00044%); highest among the groups gnomAD compares: South Asian, 0.0046%; no homozygotes.

Submission:

Labcorp Genetics (formerly Invitae), Labcorp
Classification: Uncertain significance. Last evaluated: 2021-10-20. Review status: criteria provided, single submitter. Criteria: Invitae Variant Classification Sherloc (09022015). Collection method: clinical testing. Allele origin: germline.
Comment: This sequence change replaces lysine with glutamic acid at codon 384 of the DNAJC21 protein (p.Lys384Glu). The lysine residue is highly conserved and there is a small physicochemical difference between lysine and glutamic acid. This variant is present in population databases (rs764463212, ExAC 0.006%). This variant has not been reported in the literature in individuals affected with DNAJC21-related conditions. Algorithms developed to predict the effect of missense changes on protein structure and function are either unavailable or do not agree on the potential impact of this missense change (SIFT: "Deleterious"; PolyPhen-2: "Benign"; Align-GVGD: "Class C0"). In summary, the available evidence is currently insufficient to determine the role of this variant in disease. Therefore, it has been classified as a Variant of Uncertain Significance.